The following is an entry in ClinVar:

NM_001351132.2(PEX5):c.544G>A (p.Asp182Asn)

Gene: PEX5 (peroxisomal biogenesis factor 5; plus strand). Cytogenetic location: 12p13.31.
Variant type: single nucleotide variant.
Coding change: c.544G>A on transcript NM_001351132.2 (MANE Select); coding-DNA position 544, G replaced by A.
Protein change: p.Asp182Asn; replaces aspartic acid 182 with asparagine.
Molecular consequence: missense variant.
Genome position (GRCh38, 1-based): chr12:7,199,106, G>A. VCF-style: chr12-7199106-G-A. GRCh37 (hg19) VCF-style: chr12-7351702-G-A.
Other names: c.544G>A, p.Asp182Asn (NM_000319.5, NM_001131024.2, NM_001131025.2 and 19 more transcripts); c.589G>A, p.Asp197Asn (NM_001131023.2, NM_001351135.3, NM_001351138.2); c.544G>A (NM_001131025.1); short protein forms D197N, D182N.
Identifiers: ClinVar variation 2158848 (VCV002158848.2), dbSNP rs1259656195, ClinGen allele CA383718187.

ClinVar aggregate classification (germline): Uncertain significance. Review status: criteria provided, multiple submitters, no conflicts (2 of 4 stars). 2 submissions from 2 submitters: Uncertain significance (2). Last evaluated 2023-12-28.

Conditions:
Peroxisome biogenesis disorder 2B (PBD2B). Identifiers: Orphanet 44, MedGen C3550234, MONDO:0008736, OMIM 202370.
Inborn genetic diseases. Identifiers: MedGen C0950123, MeSH D030342.

Allele frequency attached by ClinVar (database versions not stated): TOPMed 0.00001.
gnomAD v4.1: 13 of 1,576,336 alleles (0.00082%); highest among the groups gnomAD compares: East Asian, 0.0068%; no homozygotes.

Submissions (2):

Ambry Genetics
Classification: Uncertain significance for Inborn genetic diseases. Last evaluated: 2023-12-28. Review status: criteria provided, single submitter. Criteria: Ambry Variant Classification Scheme 2023. Collection method: clinical testing. Allele origin: germline.

Labcorp Genetics (formerly Invitae), Labcorp
Classification: Uncertain significance for Peroxisome biogenesis disorder 2B. Last evaluated: 2022-08-07. Review status: criteria provided, single submitter. Criteria: Invitae Variant Classification Sherloc (09022015). Collection method: clinical testing. Allele origin: germline.
Comment: This sequence change replaces aspartic acid, which is acidic and polar, with asparagine, which is neutral and polar, at codon 182 of the PEX5 protein (p.Asp182Asn). The frequency data for this variant in the population databases is considered unreliable, as metrics indicate poor data quality at this position in the gnomAD database. This variant has not been reported in the literature in individuals affected with PEX5-related conditions. Algorithms developed to predict the effect of missense changes on protein structure and function (SIFT, PolyPhen-2, Align-GVGD) all suggest that this variant is likely to be tolerated. In summary, the available evidence is currently insufficient to determine the role of this variant in disease. Therefore, it has been classified as a Variant of Uncertain Significance.